The following is an entry in ClinVar:

ClinVar aggregate classification (germline): Uncertain significance (1 of 4 stars; one submission).

Submission:

GeneDx
Classification: Uncertain significance. Last evaluated: 2026-02-03. Review status: criteria provided, single submitter. Criteria: GeneDx Variant Classification Process June 2021. Collection method: clinical testing. Allele origin: germline.
Comment: Not observed at significant frequency in large population cohorts (gnomAD); In silico analysis suggests that this missense variant does not alter protein structure/function; Has not been previously published as pathogenic or benign to our knowledge

NM_003458.4(BSN):c.6086A>T (p.Asp2029Val)

Gene: BSN (bassoon presynaptic cytomatrix protein; plus strand). Cytogenetic location: 3p21.31.
Variant type: single nucleotide variant.
Coding change: c.6086A>T on transcript NM_003458.4 (MANE Select); coding-DNA position 6086, A replaced by T.
Protein change: p.Asp2029Val; replaces aspartic acid 2029 with valine.
Molecular consequence: missense variant.
Genome position (GRCh38, 1-based): chr3:49,655,642, A>T. VCF-style: chr3-49655642-A-T. GRCh37 (hg19) VCF-style: chr3-49693075-A-T.
Other names: short protein forms D2029V.
Identifiers: ClinVar variation 4975842 (VCV004975842.1).